The following is an entry in ClinVar:

NM_000540.3(RYR1):c.13565C>T (p.Pro4522Leu)

Gene: RYR1 (ryanodine receptor 1; plus strand). Cytogenetic location: 19q13.2.
Variant type: single nucleotide variant.
Coding change: c.13565C>T on transcript NM_000540.3 (MANE Select); coding-DNA position 13565, C replaced by T.
Protein change: p.Pro4522Leu; replaces proline 4522 with leucine.
Molecular consequence: missense variant.
Genome position (GRCh38, 1-based): chr19:38,567,823, C>T. VCF-style: chr19-38567823-C-T. GRCh37 (hg19) VCF-style: chr19-39058463-C-T.
Other names: c.13565C>T (NM_000540.2); c.13550C>T, p.Pro4517Leu (NM_001042723.2); short protein forms P4522L, P4517L.
Identifiers: ClinVar variation 286387 (VCV000286387.20), dbSNP rs145167688, ClinGen allele CA060174.

ClinVar aggregate classification (germline): Conflicting classifications of pathogenicity. Review status: criteria provided, conflicting classifications (1 of 4 stars). 7 submissions from 7 submitters: Uncertain significance (5); Likely benign (2). Last evaluated 2026-01-31.

Conditions:
RYR1-related disorder. Also called: RYR1-related condition; RYR1-related disorders. Identifiers: MedGen CN239331.
Malignant hyperthermia, susceptibility to, 1 (MHS1). Also called: Anesthesia related hyperthermia; Malignant hyperpyrexia; Fulminating hyperpyrexia; Pharmacogenic myopathy; RYR1-Related Malignant Hyperthermia Susceptibility; Malignant hyperthermia suceptibility 1. Identifiers: Orphanet 423, MedGen C2930980, MONDO:0007783, OMIM 145600.

Allele frequency attached by ClinVar (database versions not stated): TOPMed 0.00025; 1000 Genomes Project 30x 0.00031; 1000 Genomes Project 0.00040; ESP Exome Variant Server 0.00046.
gnomAD v4.1: 73 of 1,614,136 alleles (0.0045%); highest among the groups gnomAD compares: African/African-American, 0.091%; no homozygotes.

Submissions (7):

Labcorp Genetics (formerly Invitae), Labcorp
Classification: Likely benign for RYR1-related disorder. Last evaluated: 2026-01-31. Review status: criteria provided, single submitter. Criteria: Invitae Variant Classification Sherloc (09022015). Collection method: clinical testing. Allele origin: germline.

PreventionGenetics, part of Exact Sciences
Classification: Uncertain significance for RYR1-related condition. Last evaluated: 2025-04-08. Review status: criteria provided, single submitter. Criteria: ACMG Guidelines, 2015. Collection method: clinical testing. Allele origin: germline.
Comment: The RYR1 c.13565C>T variant is predicted to result in the amino acid substitution p.Pro4522Leu. To our knowledge, this variant has not been reported in the literature. This variant is reported in 0.088% of alleles in individuals of African descent in gnomAD. At this time, the clinical significance of this variant is uncertain due to the absence of conclusive functional and genetic evidence.

GeneDx
Classification: Uncertain significance. Last evaluated: 2025-03-13. Review status: criteria provided, single submitter. Criteria: GeneDx Variant Classification Process June 2021. Collection method: clinical testing. Allele origin: germline. Affected: yes.
Comment: In silico analysis supports that this missense variant has a deleterious effect on protein structure/function; Has not been previously published as pathogenic or benign to our knowledge

Greenwood Genetic Center Diagnostic Laboratories, Greenwood Genetic Center
Classification: Uncertain significance. Last evaluated: 2023-09-27. Review status: criteria provided, single submitter. Criteria: ACMG Guidelines, 2015. Collection method: clinical testing. Allele origin: germline. Affected: yes.
Comment: PM2

Color Diagnostics, LLC DBA Color Health
Classification: Likely benign for Malignant hyperthermia, susceptibility to, 1. Last evaluated: 2023-02-08. Review status: criteria provided, single submitter. Criteria: ACMG Guidelines, 2015. Collection method: clinical testing. Allele origin: germline.

Revvity Omics, Revvity
Classification: Uncertain significance. Last evaluated: 2022-01-31. Review status: criteria provided, single submitter. Criteria: ACMG Guidelines, 2015. Collection method: clinical testing. Allele origin: germline.

Eurofins Ntd Llc (ga)
Classification: Uncertain significance. Last evaluated: 2016-02-24. Review status: criteria provided, single submitter. Criteria: EGL Classification Definitions 2015. Collection method: clinical testing. Allele origin: germline. Observed: 1 variant allele, 1 heterozygote.